The following is an entry in ClinVar:

ClinVar aggregate classification (germline): Uncertain significance (1 of 4 stars; one submission).

Submission:

GeneDx
Classification: Uncertain significance. Last evaluated: 2025-04-09. Review status: criteria provided, single submitter. Criteria: GeneDx Variant Classification Process June 2021. Collection method: clinical testing. Allele origin: germline. Affected: yes.
Comment: Not observed at significant frequency in large population cohorts (gnomAD); In silico analysis supports that this missense variant has a deleterious effect on protein structure/function; Has not been previously published as pathogenic or benign to our knowledge

NM_030665.4(RAI1):c.5569T>G (p.Cys1857Gly)

Gene: RAI1 (retinoic acid induced 1; plus strand). Cytogenetic location: 17p11.2.
Variant type: single nucleotide variant.
Coding change: c.5569T>G on transcript NM_030665.4 (MANE Select); coding-DNA position 5569, T replaced by G.
Protein change: p.Cys1857Gly; replaces cysteine 1857 with glycine.
Molecular consequence: missense variant.
Genome position (GRCh38, 1-based): chr17:17,803,759, T>G. VCF-style: chr17-17803759-T-G. GRCh37 (hg19) VCF-style: chr17-17707073-T-G.
Other names: short protein forms C1857G.
Identifiers: ClinVar variation 4282415 (VCV004282415.1).
Genomic context (GRCh38, chr17:17,803,759, plus strand): 5'-AGCTTGAGGGCTGGGCTCCAACTGGAGACTCACCTGCCTTTCCTTTCTCTTCATCAGATG[T>G]GTTCCAGCTGCCAAGAAGCCGGGGCCACCATTGGGTGCTGCCACAAAGGATGCCTCCACA-3'
Protein context (NP_109590.3, residues 1847-1867): EAMKVAVDMM[Cys1857Gly]SSCQEAGATI